The following is an entry in ClinVar:

NM_032326.4(TMEM175):c.850A>G (p.Asn284Asp)

Gene: TMEM175 (transmembrane protein 175; plus strand). Cytogenetic location: 4p16.3.
Variant type: single nucleotide variant.
Coding change: c.850A>G on transcript NM_032326.4 (MANE Select); coding-DNA position 850, A replaced by G.
Protein change: p.Asn284Asp; replaces asparagine 284 with aspartic acid.
Molecular consequence: missense variant.
Genome position (GRCh38, 1-based): chr4:957,831, A>G. VCF-style: chr4-957831-A-G. GRCh37 (hg19) VCF-style: chr4-951619-A-G.
Other names: c.604A>G, p.Asn202Asp (NM_001297423.2, NM_001297424.2, NM_001297425.2); c.502A>G, p.Asn168Asp (NM_001297426.2, NM_001297427.2, NM_001297428.2); short protein forms N168D, N202D, N284D.
Identifiers: ClinVar variation 3067237 (VCV003067237.21), dbSNP rs139228186, ClinGen allele CA2799492.

ClinVar aggregate classification (germline): Likely benign (1 of 4 stars; one submission).

Allele frequency attached by ClinVar (database versions not stated): TOPMed 0.00033; ESP Exome Variant Server 0.00038; 1000 Genomes Project 30x 0.00047; gnomAD exomes 0.00051; 1000 Genomes Project 0.00060; ExAC 0.00078; gnomAD 0.00108.
gnomAD v4.1: 890 of 1,606,482 alleles (0.055%); highest among the groups gnomAD compares: Non-Finnish European, 0.039%; 5 homozygotes.

Submission:

CeGaT Center for Human Genetics Tuebingen
Classification: Likely benign. Last evaluated: 2024-03-01. Review status: criteria provided, single submitter. Criteria: CeGaT Center For Human Genetics Tuebingen Variant Classification Criteria Version 2. Collection method: clinical testing. Allele origin: germline. Affected: yes. Observed: 1 variant allele.
Comment: TMEM175: BS2